The following is an entry in ClinVar:

ClinVar aggregate classification (germline): Likely benign (1 of 4 stars; one submission).

Submission:

CeGaT Center for Human Genetics Tuebingen
Classification: Likely benign. Last evaluated: 2023-11-01. Review status: criteria provided, single submitter. Criteria: CeGaT Center For Human Genetics Tuebingen Variant Classification Criteria Version 2. Collection method: clinical testing. Allele origin: germline. Affected: yes. Observed: 1 variant allele.
Comment: CEL: BP4, BP7

NM_001807.6(CEL):c.1749G>C (p.Pro583=)

Gene: CEL (carboxyl ester lipase; plus strand). Cytogenetic location: 9q34.13.
Variant type: single nucleotide variant.
Coding change: c.1749G>C on transcript NM_001807.6 (MANE Select); coding-DNA position 1749, G replaced by C.
Protein change: p.Pro583=; no amino-acid change (proline 583 retained).
Molecular consequence: synonymous variant.
Genome position (GRCh38, 1-based): chr9:133,071,251, G>C. VCF-style: chr9-133071251-G-C. GRCh37 (hg19) VCF-style: chr9-135946638-G-C.
Identifiers: ClinVar variation 2673201 (VCV002673201.23), dbSNP rs763028998, ClinGen allele CA467814242.